The following is an entry in ClinVar:

NM_007294.4(BRCA1):c.1594A>T (p.Ile532Leu)

Gene: BRCA1 (BRCA1 DNA repair associated; minus strand). Cytogenetic location: 17q21.31.
Variant type: single nucleotide variant.
Coding change: c.1594A>T on transcript NM_007294.4 (MANE Select); coding-DNA position 1594, A replaced by T.
Protein change: p.Ile532Leu; replaces isoleucine 532 with leucine.
Molecular consequence: missense variant. On other transcripts: intron variant (137).
Genome position (GRCh38, 1-based): chr17:43,093,937, T>A on the plus strand (A>T on the coding strand, the complement: BRCA1 is on the minus strand). VCF-style: chr17-43093937-T-A. GRCh37 (hg19) VCF-style: chr17-41245954-T-A.
Other names: c.1381A>T, p.Ile461Leu (NM_001407571.1, NM_001407853.1, NM_001407894.1 and 9 more transcripts); c.1594A>T, p.Ile532Leu (NM_001407581.1, NM_001407582.1, NM_001407583.1 and 30 more transcripts); c.1591A>T, p.Ile531Leu (NM_001407587.1, NM_001407590.1, NM_001407591.1 and 22 more transcripts); c.1585A>T, p.Ile529Leu (NM_001407646.1, NM_001407647.1); c.1471A>T, p.Ile491Leu (NM_001407648.1, NM_001407664.1, NM_001407665.1 and 19 more transcripts); c.1468A>T, p.Ile490Leu (NM_001407649.1, NM_001407670.1, NM_001407671.1 and 11 more transcripts); c.1516A>T, p.Ile506Leu (NM_001407653.1, NM_001407654.1, NM_001407655.1 and 4 more transcripts); c.1513A>T, p.Ile505Leu (NM_001407659.1, NM_001407660.1, NM_001407661.1 and 1 more transcripts); and 40 more; short protein forms I485L, I532L, I404L, I420L, I462L, I464L, I484L, I529L.
Identifiers: ClinVar variation 926833 (VCV000926833.11), dbSNP rs2053915860, ClinGen allele CA10598854.

ClinVar aggregate classification (germline): Conflicting classifications of pathogenicity. Review status: criteria provided, conflicting classifications (1 of 4 stars). 4 submissions from 4 submitters: Uncertain significance (3); Likely benign (1). Last evaluated 2025-11-24.

Conditions:
Hereditary cancer-predisposing syndrome. Also called: Neoplastic Syndromes, Hereditary; Tumor predisposition; Hereditary Cancer Syndrome; Hereditary neoplastic syndrome. Identifiers: Orphanet 140162, MedGen C0027672, MeSH D009386, MONDO:0015356.
Hereditary breast ovarian cancer syndrome. Also called: Hereditary breast and ovarian cancer syndrome; BRCA1- and BRCA2-Associated Hereditary Breast and Ovarian Cancer; Hereditary breast and ovarian cancer; Hereditary breast and ovarian cancer syndrome (HBOC); Breast and ovarian cancer; Hereditary breast and/or ovarian cancer syndrome. Identifiers: Orphanet 145, MedGen C0677776, MeSH D061325, MONDO:0003582. Disease mechanism: loss of function.

Allele frequency attached by ClinVar (database versions not stated): gnomAD exomes below 0.00001.
gnomAD v4.1: 1 of 1,613,956 alleles (0.000062%); highest among the groups gnomAD compares: Non-Finnish European, 0.000085%; no homozygotes.

Submissions (4):

Ambry Genetics
Classification: Uncertain significance for Hereditary cancer-predisposing syndrome. Last evaluated: 2025-11-24. Review status: criteria provided, single submitter. Criteria: Ambry Variant Classification Scheme 2023. Collection method: clinical testing. Allele origin: germline.
Comment: The p.I532L variant (also known as c.1594A>T), located in coding exon 9 of the BRCA1 gene, results from an A to T substitution at nucleotide position 1594. The isoleucine at codon 532 is replaced by leucine, an amino acid with highly similar properties. This amino acid position is not well conserved in available vertebrate species. In addition, this alteration is predicted to be tolerated by in silico analysis. Since supporting evidence is limited at this time, the clinical significance of this alteration remains unclear.

Labcorp Genetics (formerly Invitae), Labcorp
Classification: Uncertain significance for Hereditary breast ovarian cancer syndrome. Last evaluated: 2025-01-11. Review status: criteria provided, single submitter. Criteria: Invitae Variant Classification Sherloc (09022015). Collection method: clinical testing. Allele origin: germline.
Comment: This sequence change replaces isoleucine, which is neutral and non-polar, with leucine, which is neutral and non-polar, at codon 532 of the BRCA1 protein (p.Ile532Leu). This variant is not present in population databases (gnomAD no frequency). This variant has not been reported in the literature in individuals affected with BRCA1-related conditions. ClinVar contains an entry for this variant (Variation ID: 926833). Invitae Evidence Modeling of protein sequence and biophysical properties (such as structural, functional, and spatial information, amino acid conservation, physicochemical variation, residue mobility, and thermodynamic stability) indicates that this missense variant is not expected to disrupt BRCA1 protein function with a negative predictive value of 80%. In summary, the available evidence is currently insufficient to determine the role of this variant in disease. Therefore, it has been classified as a Variant of Uncertain Significance.

University of Washington Department of Laboratory Medicine, University of Washington
Classification: Likely benign for Hereditary cancer-predisposing syndrome. Last evaluated: 2023-03-23. Review status: criteria provided, single submitter. Criteria: Dines et al. (Genet Med. 2020). Collection method: curation. Allele origin: germline.
Comment: Missense variant in a coldspot region where missense variants are very unlikely to be pathogenic (PMID:31911673).

BRCA1 coldspot (exon 11 using historical exon numbering). Reclassification based on statistical prior probability

Color Diagnostics, LLC DBA Color Health
Classification: Uncertain significance for Hereditary cancer-predisposing syndrome. Last evaluated: 2020-02-11. Review status: criteria provided, single submitter. Criteria: ACMG Guidelines, 2015. Collection method: clinical testing. Allele origin: germline.
Comment: This missense variant replaces isoleucine with leucine at codon 532 of the BRCA1 protein. Computational prediction suggests that this variant may not impact protein structure and function (internally defined REVEL score threshold <= 0.5, PMID: 27666373). Splice site prediction tools suggest that this variant may not impact RNA splicing. To our knowledge, functional studies have not been performed for this variant. This variant has not been reported in individuals affected with hereditary cancer in the literature. This variant has not been identified in the general population by the Genome Aggregation Database (gnomAD). The available evidence is insufficient to determine the role of this variant in disease conclusively. Therefore, this variant is classified as a Variant of Uncertain Significance.